The following is an entry in ClinVar:

ClinVar aggregate classification (germline): Uncertain significance (1 of 4 stars; one submission).

Allele frequency attached by ClinVar (database versions not stated): gnomAD 0.00001; TOPMed 0.00001.
gnomAD v4.1: 6 of 1,611,394 alleles (0.00037%); highest among the groups gnomAD compares: South Asian, 0.0022%; no homozygotes.

Submission:

Labcorp Genetics (formerly Invitae), Labcorp
Classification: Uncertain significance. Last evaluated: 2024-02-05. Review status: criteria provided, single submitter. Criteria: Invitae Variant Classification Sherloc (09022015). Collection method: clinical testing. Allele origin: germline.
Comment: This sequence change replaces glycine, which is neutral and non-polar, with arginine, which is basic and polar, at codon 107 of the NDUFS8 protein (p.Gly107Arg). This variant is present in population databases (no rsID available, gnomAD 0.0009%). This variant has not been reported in the literature in individuals affected with NDUFS8-related conditions. An algorithm developed to predict the effect of missense changes on protein structure and function (PolyPhen-2) suggests that this variant is likely to be disruptive. In summary, the available evidence is currently insufficient to determine the role of this variant in disease. Therefore, it has been classified as a Variant of Uncertain Significance.

NM_002496.4(NDUFS8):c.319G>A (p.Gly107Arg)

Gene: NDUFS8 (NADH:ubiquinone oxidoreductase core subunit S8; plus strand). Cytogenetic location: 11q13.2.
Variant type: single nucleotide variant.
Coding change: c.319G>A on transcript NM_002496.4 (MANE Select); coding-DNA position 319, G replaced by A.
Protein change: p.Gly107Arg; replaces glycine 107 with arginine.
Molecular consequence: missense variant.
Genome position (GRCh38, 1-based): chr11:68,033,230, G>A. VCF-style: chr11-68033230-G-A. GRCh37 (hg19) VCF-style: chr11-67800697-G-A.
Other names: short protein forms G107R.
Identifiers: ClinVar variation 2964977 (VCV002964977.3), dbSNP rs1400523462, ClinGen allele CA381600090.